The following is an entry in ClinVar:

ClinVar aggregate classification (germline): Uncertain significance. Review status: criteria provided, multiple submitters, no conflicts (2 of 4 stars). 2 submissions from 2 submitters: Uncertain significance (2). Last evaluated 2022-11-08.

Allele frequency attached by ClinVar (database versions not stated): gnomAD 0.00001; TOPMed 0.00003.
gnomAD v4.1: 75 of 1,611,050 alleles (0.0047%); highest among the groups gnomAD compares: Non-Finnish European, 0.0061%; no homozygotes.

Submissions (2):

Ambry Genetics
Classification: Uncertain significance. Last evaluated: 2022-11-08. Review status: criteria provided, single submitter. Criteria: Ambry Variant Classification Scheme 2023. Collection method: clinical testing. Allele origin: germline.

Labcorp Genetics (formerly Invitae), Labcorp
Classification: Uncertain significance. Last evaluated: 2022-02-03. Review status: criteria provided, single submitter. Criteria: Invitae Variant Classification Sherloc (09022015). Collection method: clinical testing. Allele origin: germline.
Comment: Algorithms developed to predict the effect of missense changes on protein structure and function output the following: SIFT: "Tolerated"; PolyPhen-2: "Benign"; Align-GVGD: "Class C0". The arginine amino acid residue is found in multiple mammalian species, which suggests that this missense change does not adversely affect protein function. In summary, the available evidence is currently insufficient to determine the role of this variant in disease. Therefore, it has been classified as a Variant of Uncertain Significance. This variant has not been reported in the literature in individuals affected with IRF9-related conditions. This variant is not present in population databases (gnomAD no frequency). This sequence change replaces cysteine, which is neutral and slightly polar, with arginine, which is basic and polar, at codon 329 of the IRF9 protein (p.Cys329Arg).

NM_006084.5(IRF9):c.985T>C (p.Cys329Arg)

Gene: IRF9 (interferon regulatory factor 9; plus strand). Cytogenetic location: 14q12.
Variant type: single nucleotide variant.
Coding change: c.985T>C on transcript NM_006084.5 (MANE Select); coding-DNA position 985, T replaced by C.
Protein change: p.Cys329Arg; replaces cysteine 329 with arginine.
Molecular consequence: missense variant.
Genome position (GRCh38, 1-based): chr14:24,164,949, T>C. VCF-style: chr14-24164949-T-C. GRCh37 (hg19) VCF-style: chr14-24634158-T-C.
Other names: c.1012T>C, p.Cys338Arg (NM_001385400.1, NM_001385401.1); c.722T>C, p.Leu241Pro (NM_001385402.1); c.985T>C (NM_006084.4); short protein forms C329R, C338R, L241P.
Identifiers: ClinVar variation 2185818 (VCV002185818.5), dbSNP rs1424017635, ClinGen allele CA389211029.